The following is an entry in ClinVar:

NM_022051.3(EGLN1):c.344A>G (p.Lys115Arg)

Gene: EGLN1 (egl-9 family hypoxia inducible factor 1; minus strand). Cytogenetic location: 1q42.2.
Variant type: single nucleotide variant.
Coding change: c.344A>G on transcript NM_022051.3 (MANE Select); coding-DNA position 344, A replaced by G.
Protein change: p.Lys115Arg; replaces lysine 115 with arginine.
Molecular consequence: missense variant.
Genome position (GRCh38, 1-based): chr1:231,421,545, T>C on the plus strand (A>G on the coding strand, the complement: EGLN1 is on the minus strand). VCF-style: chr1-231421545-T-C. GRCh37 (hg19) VCF-style: chr1-231557291-T-C.
Other names: c.344A>G, p.Lys115Arg (NM_001377260.1, NM_001377261.1); short protein forms K115R.
Identifiers: ClinVar variation 3507242 (VCV003507242.1).

ClinVar aggregate classification (germline): Uncertain significance (1 of 4 stars; one submission).

gnomAD v4.1: 2 of 1,304,206 alleles (0.00015%); highest among the groups gnomAD compares: Non-Finnish European, 0.00019%; no homozygotes.

Submission:

Ambry Genetics
Classification: Uncertain significance. Last evaluated: 2024-11-02. Review status: criteria provided, single submitter. Criteria: Ambry Variant Classification Scheme 2023. Collection method: clinical testing. Allele origin: germline.
Comment: The p.K115R variant (also known as c.344A>G), located in coding exon 1 of the EGLN1 gene, results from an A to G substitution at nucleotide position 344. The lysine at codon 115 is replaced by arginine, an amino acid with highly similar properties. This amino acid position is conserved. In addition, this alteration is predicted to be tolerated by in silico analysis. Based on the available evidence, the clinical significance of this variant remains unclear.